The following is an entry in ClinVar:

NM_000936.4(PNLIP):c.789G>A (p.Val263=)

Gene: PNLIP (pancreatic lipase; plus strand). Cytogenetic location: 10q25.3.
Variant type: single nucleotide variant.
Coding change: c.789G>A on transcript NM_000936.4 (MANE Select); coding-DNA position 789, G replaced by A.
Protein change: p.Val263=; no amino-acid change (valine 263 retained).
Molecular consequence: synonymous variant.
Genome position (GRCh38, 1-based): chr10:116,555,485, G>A. VCF-style: chr10-116555485-G-A. GRCh37 (hg19) VCF-style: chr10-118314997-G-A.
Identifiers: ClinVar variation 3668048 (VCV003668048.2).

ClinVar aggregate classification (germline): Uncertain significance (1 of 4 stars; one submission).

gnomAD v4.1: 9 of 1,614,062 alleles (0.00056%); highest among the groups gnomAD compares: Non-Finnish European, 0.00076%; no homozygotes.

Submission:

Labcorp Genetics (formerly Invitae), Labcorp
Classification: Uncertain significance. Last evaluated: 2024-11-08. Review status: criteria provided, single submitter. Criteria: Invitae Variant Classification Sherloc (09022015). Collection method: clinical testing. Allele origin: germline.
Comment: This sequence change affects codon 263 of the PNLIP mRNA. It is a 'silent' change, meaning that it does not change the encoded amino acid sequence of the PNLIP protein. This variant is present in population databases (rs753917078, gnomAD 0.002%). This variant has not been reported in the literature in individuals affected with PNLIP-related conditions. Algorithms developed to predict the effect of sequence changes on RNA splicing suggest that this variant may disrupt the consensus splice site. In summary, the available evidence is currently insufficient to determine the role of this variant in disease. Therefore, it has been classified as a Variant of Uncertain Significance.